The following is an entry in ClinVar:

ClinVar aggregate classification (germline): Uncertain significance (1 of 4 stars; one submission).

Submission:

GeneDx
Classification: Uncertain significance. Last evaluated: 2024-07-11. Review status: criteria provided, single submitter. Criteria: GeneDx Variant Classification Process June 2021. Collection method: clinical testing. Allele origin: germline. Affected: yes.
Comment: Has not been previously published as pathogenic or benign to our knowledge; Not observed at significant frequency in large population cohorts (gnomAD); In silico analysis supports a deleterious effect on splicing

NM_001267550.2(TTN):c.27049+5G>A

Gene: TTN (titin; minus strand). Cytogenetic location: 2q31.2.
Variant type: single nucleotide variant.
Coding change: c.27049+5G>A on transcript NM_001267550.2 (MANE Select); 5 bases into the intron after coding-DNA position 27049, G replaced by A.
Molecular consequence: intron variant.
Genome position (GRCh38, 1-based): chr2:178,713,080, C>T on the plus strand (G>A on the coding strand, the complement: TTN is on the minus strand). VCF-style: chr2-178713080-C-T. GRCh37 (hg19) VCF-style: chr2-179577807-C-T.
Other names: c.13282+25002G>A (NM_003319.4); c.13858+25002G>A (NM_133437.4); c.13657+25002G>A (NM_133432.3); c.23317+5G>A (NM_133378.4); c.26098+5G>A (NM_001256850.1).
Identifiers: ClinVar variation 3572733 (VCV003572733.1).